The following is an entry in ClinVar:

NM_002335.4(LRP5):c.1738G>A (p.Val580Ile)

Gene: LRP5 (LDL receptor related protein 5; plus strand). Cytogenetic location: 11q13.2.
Variant type: single nucleotide variant.
Coding change: c.1738G>A on transcript NM_002335.4 (MANE Select); coding-DNA position 1738, G replaced by A.
Protein change: p.Val580Ile; replaces valine 580 with isoleucine.
Molecular consequence: missense variant. On other transcripts: 5 prime UTR variant (1).
Genome position (GRCh38, 1-based): chr11:68,403,636, G>A. VCF-style: chr11-68403636-G-A. GRCh37 (hg19) VCF-style: chr11-68171104-G-A.
Other names: c.-200G>A (NM_001291902.2); short protein forms V580I.
Identifiers: ClinVar variation 841665 (VCV000841665.32), dbSNP rs149524398, ClinGen allele CA6149420.
Genomic context (GRCh38, chr11:68,403,636, plus strand): 5'-TGGACTGACTGGCAGCGCCGCAGCATCGAGCGGGTGCACAAGGTCAAGGCCAGCCGGGAC[G>A]TCATCATTGACCAGCTGCCCGACCTGATGGGGCTCAAAGCTGTGAATGTGGCCAAGGTCG-3'
Protein context (NP_002326.2, residues 570-590): RVHKVKASRD[Val580Ile]IIDQLPDLMG

ClinVar aggregate classification (germline): Conflicting classifications of pathogenicity. Review status: criteria provided, conflicting classifications (1 of 4 stars). 6 submissions from 6 submitters: Uncertain significance (3); Likely benign (3). Last evaluated 2026-08-17.

Conditions:
LRP5-related disorder. Also called: LRP5-related condition.
Osteogenesis imperfecta (OI). Identifiers: Orphanet 666, MedGen C0029434, MeSH D010013, MONDO:0019019.

Allele frequency attached by ClinVar (database versions not stated): gnomAD 0.00022 and 0.00024; TOPMed 0.00032; gnomAD exomes 0.00033 and 0.00040; ExAC 0.00051; ESP Exome Variant Server 0.00062.

Submissions (6):

PreventionGenetics, part of Exact Sciences
Classification: Uncertain significance for LRP5-related condition. Last evaluated: 2026-08-17. Review status: criteria provided, single submitter. Criteria: ACMG Guidelines, 2015. Collection method: clinical testing. Allele origin: germline.
Comment: The LRP5 c.1738G>A variant is predicted to result in the amino acid substitution p.Val580Ile. To our knowledge, this variant has not been reported in the literature in association with established LRP5-related disease. This variant is reported in 0.063% of alleles in individuals of European (Non-Finnish) descent in gnomAD, which may be too frequent to be a primary cause of disease. Although we suspect that this variant may be benign, at this time, the clinical significance of this variant is uncertain due to the absence of conclusive functional and genetic evidence.

Labcorp Genetics (formerly Invitae), Labcorp
Classification: Likely benign. Last evaluated: 2026-02-01. Review status: criteria provided, single submitter. Criteria: Invitae Variant Classification Sherloc (09022015). Collection method: clinical testing. Allele origin: germline.

CeGaT Center for Human Genetics Tuebingen
Classification: Likely benign. Last evaluated: 2024-11-01. Review status: criteria provided, single submitter. Criteria: CeGaT Center For Human Genetics Tuebingen Variant Classification Criteria Version 2. Collection method: clinical testing. Allele origin: germline. Affected: yes. Observed: 1 variant allele.
Comment: LRP5: BP5

GeneDx
Classification: Uncertain significance. Last evaluated: 2024-10-24. Review status: criteria provided, single submitter. Criteria: GeneDx Variant Classification Process June 2021. Collection method: clinical testing. Allele origin: germline. Affected: yes.
Comment: In silico analysis indicates that this missense variant does not alter protein structure/function; Has not been previously published as pathogenic or benign to our knowledge

Blueprint Genetics
Classification: Likely benign. Last evaluated: 2024-08-29. Review status: criteria provided, single submitter. Criteria: ACMG Guidelines, 2015. Collection method: clinical testing. Allele origin: germline.

Genome Diagnostics Laboratory, The Hospital for Sick Children
Classification: Uncertain significance for Osteogenesis imperfecta. Last evaluated: 2019-03-01. Review status: criteria provided, single submitter. Criteria: ACMG Guidelines, 2015. Collection method: clinical testing. Allele origin: germline.